The following is an entry in ClinVar:

ClinVar aggregate classification (germline): Conflicting classifications of pathogenicity. Review status: criteria provided, conflicting classifications (1 of 4 stars). 4 submissions from 4 submitters: Uncertain significance (2); Likely benign (2). Last evaluated 2026-02-02.

Conditions:
Inborn genetic diseases. Identifiers: MedGen C0950123, MeSH D030342.
Retinitis pigmentosa 40 (RP40). Identifiers: Orphanet 791, MedGen C3151107, MONDO:0013429, OMIM 613801.

Allele frequency attached by ClinVar (database versions not stated): gnomAD 0.00001; gnomAD exomes 0.00001 and 0.00006; ExAC 0.00016.

Submissions (4):

Labcorp Genetics (formerly Invitae), Labcorp
Classification: Likely benign. Last evaluated: 2026-02-02. Review status: criteria provided, single submitter. Criteria: Invitae Variant Classification Sherloc (09022015). Collection method: clinical testing. Allele origin: germline.

Dasa
Classification: Uncertain significance for Retinitis pigmentosa 40. Last evaluated: 2025-07-02. Review status: criteria provided, single submitter. Criteria: DASA Assertion Criteria. Collection method: clinical testing. Allele origin: germline.
Comment: NM_000283.4(PDE6B):c.442A>T (p.Met148Leu) is a missense variant that results in the substitution of methionine with leucine. This variant is rare in population databases. Computational prediction algorithms are consistent with a benign effect. The currently available literature and clinical evidence are not sufficient to establish a definitive association between this variant and the reported condition. Therefore, this variant is classified as a variant of uncertain significance.

Ambry Genetics
Classification: Uncertain significance for Inborn genetic diseases. Last evaluated: 2025-04-18. Review status: criteria provided, single submitter. Criteria: Ambry Variant Classification Scheme 2023. Collection method: clinical testing. Allele origin: germline.

Blueprint Genetics
Classification: Likely benign. Last evaluated: 2021-03-25. Review status: criteria provided, single submitter. Criteria: ACMG Guidelines, 2015. Collection method: clinical testing. Allele origin: germline.

NM_000283.4(PDE6B):c.442A>T (p.Met148Leu)

Gene: PDE6B (phosphodiesterase 6B; plus strand). Cytogenetic location: 4p16.3.
Variant type: single nucleotide variant.
Coding change: c.442A>T on transcript NM_000283.4 (MANE Select); coding-DNA position 442, A replaced by T.
Protein change: p.Met148Leu; replaces methionine 148 with leucine.
Molecular consequence: missense variant.
Genome position (GRCh38, 1-based): chr4:626,068, A>T. VCF-style: chr4-626068-A-T. GRCh37 (hg19) VCF-style: chr4-619857-A-T.
Other names: c.442A>T (NM_000283.3); c.442A>T, p.Met148Leu (NM_001145291.2); short protein forms M148L.
Identifiers: ClinVar variation 1460496 (VCV001460496.10), dbSNP rs775561306, ClinGen allele CA2793945.